The following is an entry in ClinVar:

NM_006514.4(SCN10A):c.2878A>G (p.Asn960Asp)

Genes: SCN10A (sodium voltage-gated channel alpha subunit 10; minus strand), LOC110121288 (VISTA enhancer hs2268; plus strand). Cytogenetic location: 3p22.2.
Variant type: single nucleotide variant.
Coding change: c.2878A>G on transcript NM_006514.4 (MANE Select); coding-DNA position 2878, A replaced by G.
Protein change: p.Asn960Asp; replaces asparagine 960 with aspartic acid.
Molecular consequence: missense variant.
Genome position (GRCh38, 1-based): chr3:38,726,815, T>C on the plus strand (A>G on the coding strand, the complement: SCN10A is on the minus strand). VCF-style: chr3-38726815-T-C. GRCh37 (hg19) VCF-style: chr3-38768306-T-C.
Other names: c.2878A>G, p.Asn960Asp (NM_001293306.2); c.2584A>G, p.Asn862Asp (NM_001293307.2); short protein forms N960D, N862D.
Identifiers: ClinVar variation 3316530 (VCV003316530.1).
Genomic context (GRCh38, chr3:38,726,815, plus strand): 5'-GGCCTCTGGGAGCTTGGAGCCCTCCAGAGCTCCCCCTGGCAGTGTTGGCAGCAATGTGGT[T>C]CTCAGCCTTGGAGCTGGAGAGTGGGAGTTTCACCACCAGCTCAGGCTCTGCCTTGGGCTG-3'
Protein context (NP_006505.4, residues 950-970): KLPLSSSKAE[Asn960Asp]HIAANTARGS

ClinVar aggregate classification (germline): Uncertain significance (1 of 4 stars; one submission).

Conditions:
Cardiovascular phenotype. Identifiers: MedGen CN230736.

Submission:

Ambry Genetics
Classification: Uncertain significance for Cardiovascular phenotype. Last evaluated: 2024-06-09. Review status: criteria provided, single submitter. Criteria: Ambry Variant Classification Scheme 2023. Collection method: clinical testing. Allele origin: germline.
Comment: The p.N960D variant (also known as c.2878A>G), located in coding exon 16 of the SCN10A gene, results from an A to G substitution at nucleotide position 2878. The asparagine at codon 960 is replaced by aspartic acid, an amino acid with highly similar properties. This amino acid position is conserved. In addition, this alteration is predicted to be tolerated by in silico analysis. Based on the available evidence, the clinical significance of this variant remains unclear.